The following is an entry in ClinVar:

ClinVar aggregate classification (germline): Uncertain significance (1 of 4 stars; one submission).

Conditions:
Severe combined immunodeficiency due to IKK2 deficiency. Also called: IMMUNODEFICIENCY 15B; Immunodeficiency 15. Identifiers: Orphanet 397787, MedGen C4747743, MONDO:0014267, OMIM 615592.

gnomAD v4.1: 1 of 1,592,892 alleles (0.000063%); highest among the groups gnomAD compares: Non-Finnish European, 0.000086%; no homozygotes.

Submission:

Labcorp Genetics (formerly Invitae), Labcorp
Classification: Uncertain significance for Severe combined immunodeficiency due to IKK2 deficiency. Last evaluated: 2020-03-18. Review status: criteria provided, single submitter. Criteria: Invitae Variant Classification Sherloc (09022015). Collection method: clinical testing. Allele origin: germline.
Comment: This sequence change replaces threonine with serine at codon 559 of the IKBKB protein (p.Thr559Ser). The threonine residue is moderately conserved and there is a small physicochemical difference between threonine and serine. This variant is not present in population databases (ExAC no frequency). This variant has not been reported in the literature in individuals with IKBKB-related conditions. Algorithms developed to predict the effect of missense changes on protein structure and function (SIFT, PolyPhen-2, Align-GVGD) all suggest that this variant is likely to be tolerated, but these predictions have not been confirmed by published functional studies and their clinical significance is uncertain. In summary, the available evidence is currently insufficient to determine the role of this variant in disease. Therefore, it has been classified as a Variant of Uncertain Significance.

NM_001556.3(IKBKB):c.1675A>T (p.Thr559Ser)

Gene: IKBKB (inhibitor of nuclear factor kappa B kinase subunit beta; plus strand). Cytogenetic location: 8p11.21.
Variant type: single nucleotide variant.
Coding change: c.1675A>T on transcript NM_001556.3 (MANE Select); coding-DNA position 1675, A replaced by T.
Protein change: p.Thr559Ser; replaces threonine 559 with serine.
Molecular consequence: missense variant. On other transcripts: non-coding transcript variant (3).
Genome position (GRCh38, 1-based): chr8:42,320,831, A>T. VCF-style: chr8-42320831-A-T. GRCh37 (hg19) VCF-style: chr8-42178349-A-T.
Other names: c.1483A>T, p.Thr495Ser (NM_001190720.3); c.1498A>T, p.Thr500Ser (NM_001242778.2); short protein forms T495S, T500S, T559S.
Identifiers: ClinVar variation 1023121 (VCV001023121.5), dbSNP rs1182623073, ClinGen allele CA371091380.